The following is an entry in ClinVar:

NM_001384474.1(LOXHD1):c.3941C>G (p.Thr1314Ser)

Gene: LOXHD1 (lipoxygenase homology PLAT domains 1; minus strand). Cytogenetic location: 18q21.1.
Variant type: single nucleotide variant.
Coding change: c.3941C>G on transcript NM_001384474.1 (MANE Select); coding-DNA position 3941, C replaced by G.
Protein change: p.Thr1314Ser; replaces threonine 1314 with serine.
Molecular consequence: missense variant.
Genome position (GRCh38, 1-based): chr18:46,538,310, G>C on the plus strand (C>G on the coding strand, the complement: LOXHD1 is on the minus strand). VCF-style: chr18-46538310-G-C. GRCh37 (hg19) VCF-style: chr18-44118273-G-C.
Other names: c.608C>G, p.Thr203Ser (NM_001145472.3); c.320C>G, p.Thr107Ser (NM_001308013.2); c.3941C>G, p.Thr1314Ser (NM_144612.7); short protein forms T107S, T1314S, T203S.
Identifiers: ClinVar variation 1461881 (VCV001461881.7), dbSNP rs182125538, ClinGen allele CA402377184.

ClinVar aggregate classification (germline): Uncertain significance (1 of 4 stars; one submission).

gnomAD v4.1: 1 of 1,550,802 alleles (0.000064%); highest among the groups gnomAD compares: Non-Finnish European, 0.000087%; no homozygotes.

Submission:

Labcorp Genetics (formerly Invitae), Labcorp
Classification: Uncertain significance. Last evaluated: 2024-10-23. Review status: criteria provided, single submitter. Criteria: Invitae Variant Classification Sherloc (09022015). Collection method: clinical testing. Allele origin: germline.
Comment: This sequence change replaces threonine, which is neutral and polar, with serine, which is neutral and polar, at codon 1314 of the LOXHD1 protein (p.Thr1314Ser). This variant is not present in population databases (gnomAD no frequency). This variant has not been reported in the literature in individuals affected with LOXHD1-related conditions. ClinVar contains an entry for this variant (Variation ID: 1461881). An algorithm developed to predict the effect of missense changes on protein structure and function (PolyPhen-2) suggests that this variant is likely to be disruptive. In summary, the available evidence is currently insufficient to determine the role of this variant in disease. Therefore, it has been classified as a Variant of Uncertain Significance.